The following is an entry in ClinVar:

NM_017534.6(MYH2):c.4537+7C>T

Genes: MYH2 (myosin heavy chain 2; minus strand), MYHAS (myosin heavy chain gene cluster antisense RNA; plus strand), LOC126862500 (BRD4-independent group 4 enhancer GRCh37_chr17:10427829-10429028; plus strand). Cytogenetic location: 17p13.1.
Variant type: single nucleotide variant.
Coding change: c.4537+7C>T on transcript NM_017534.6 (MANE Select); 7 bases into the intron after coding-DNA position 4537, C replaced by T.
Molecular consequence: intron variant.
Genome position (GRCh38, 1-based): chr17:10,525,444, G>A on the plus strand (C>T on the coding strand, the complement: MYH2 is on the minus strand). VCF-style: chr17-10525444-G-A. GRCh37 (hg19) VCF-style: chr17-10428761-G-A.
Other names: c.4537+7C>T (NM_001100112.2).
Identifiers: ClinVar variation 321666 (VCV000321666.52), dbSNP rs375199452, ClinGen allele CA8390612.

ClinVar aggregate classification (germline): Likely benign. Review status: criteria provided, multiple submitters, no conflicts (2 of 4 stars). 3 submissions from 3 submitters: Likely benign (3). Last evaluated 2026-01-19.

Conditions:
Myopathy, proximal, and ophthalmoplegia (CMYO6). Also called: CONGENITAL MYOPATHY 6 WITH OPHTHALMOPLEGIA; MYOPATHY WITH CONGENITAL JOINT CONTRACTURES, OPHTHALMOPLEGIA, AND RIMMED VACUOLES; INCLUSION BODY MYOPATHY 3, AUTOSOMAL DOMINANT. Identifiers: Orphanet 363677, Orphanet 79091, MedGen C1854106, MONDO:0011577, OMIM 605637.

Allele frequency attached by ClinVar (database versions not stated): TOPMed 0.00012; gnomAD exomes 0.00014 and 0.00017; ESP Exome Variant Server 0.00015; ExAC 0.00017; gnomAD 0.00025 and 0.00026.
gnomAD v4.1: 281 of 1,613,992 alleles (0.017%); highest among the groups gnomAD compares: Non-Finnish European, 0.022%; no homozygotes.

Submissions (3):

Labcorp Genetics (formerly Invitae), Labcorp
Classification: Likely benign for Myopathy, proximal, and ophthalmoplegia. Last evaluated: 2026-01-19. Review status: criteria provided, single submitter. Criteria: Invitae Variant Classification Sherloc (09022015). Collection method: clinical testing. Allele origin: germline.

CeGaT Center for Human Genetics Tuebingen
Classification: Likely benign. Last evaluated: 2025-03-01. Review status: criteria provided, single submitter. Criteria: CeGaT Center For Human Genetics Tuebingen Variant Classification Criteria Version 2. Collection method: clinical testing. Allele origin: germline. Affected: yes. Observed: 2 variant alleles.
Comment: MYH2: BP4, BS2

Laboratory of Genetics, Children's Clinical University Hospital Latvia
Classification: Likely benign. Last evaluated: 2025-02-16. Review status: criteria provided, single submitter. Criteria: ACMG Guidelines, 2015. Collection method: clinical testing. Allele origin: germline. Affected: yes.